The following is an entry in ClinVar:

NM_000489.6(ATRX):c.3974A>G (p.Asp1325Gly)

Gene: ATRX (ATRX chromatin remodeler; minus strand). Cytogenetic location: Xq21.1.
Variant type: single nucleotide variant.
Coding change: c.3974A>G on transcript NM_000489.6 (MANE Select); coding-DNA position 3974, A replaced by G.
Protein change: p.Asp1325Gly; replaces aspartic acid 1325 with glycine.
Molecular consequence: missense variant.
Genome position (GRCh38, 1-based): chrX:77,663,528, T>C on the plus strand (A>G on the coding strand, the complement: ATRX is on the minus strand). VCF-style: chrX-77663528-T-C. GRCh37 (hg19) VCF-style: chrX-76919017-T-C.
Other names: c.3860A>G, p.Asp1287Gly (NM_138270.5); short protein forms D1287G, D1325G.
Identifiers: ClinVar variation 1801087 (VCV001801087.1), dbSNP rs2070045443, ClinGen allele CA413699731.

ClinVar aggregate classification (germline): Uncertain significance (1 of 4 stars; one submission).

Allele frequency attached by ClinVar (database versions not stated): TOPMed 0.00001.
gnomAD v4.1: 1 of 1,210,448 alleles (0.000083%); highest among the groups gnomAD compares: East Asian, 0.003%; no homozygotes.

Submission:

GeneDx
Classification: Uncertain significance. Last evaluated: 2022-05-25. Review status: criteria provided, single submitter. Criteria: GeneDx Variant Classification Process June 2021. Collection method: clinical testing. Allele origin: germline. Affected: yes.
Comment: Not observed at significant frequency in large population cohorts (gnomAD); In silico analysis supports that this missense variant has a deleterious effect on protein structure/function; In-silico analysis is inconclusive as to whether the variant alters gene splicing. In the absence of RNA/functional studies, the actual effect of this sequence change is unknown; Has not been previously published as pathogenic or benign to our knowledge